The following is an entry in ClinVar:

ClinVar aggregate classification (germline): Conflicting classifications of pathogenicity. Review status: criteria provided, conflicting classifications (1 of 4 stars). 5 submissions from 5 submitters: Uncertain significance (3); Likely benign (1). 1 of the submissions does not count toward it. Last evaluated 2026-10-01.

Conditions:
Fanconi anemia complementation group A (FANCA). Also called: Fanconi anemia, group A; FANCA-Related Fanconi Anemia. Identifiers: Orphanet 84, MedGen C3469521, MONDO:0009215, OMIM 227650.
Fanconi anemia (FA). Also called: Fanconi's anemia. Identifiers: Orphanet 84, MedGen C0015625, MeSH D005199, MONDO:0019391.

Allele frequency attached by ClinVar (database versions not stated): TOPMed below 0.00001.

Submissions (5):

St. Jude Molecular Pathology, St. Jude Children's Research Hospital
Classification: Uncertain significance for Fanconi anemia complementation group A. Last evaluated: 2026-10-01. Review status: criteria provided, single submitter. Criteria: St. Jude Assertion Criteria 2020. Collection method: clinical testing. Allele origin: germline.
Comment: The FANCA c.1999C>G p.(Pro667Ala) missense change has a maximum subpopulation frequency of 0.02% in gnomAD v2.1.1. The in silico tool REVEL is inconclusive about a pathogenic or benign effect of this variant on protein function, and to our knowledge functional studies have not been performed. To our knowledge, this variant has not been reported in individuals with Fanconi anemia. In summary, the evidence currently available is insufficient to determine the clinical significance of this variant. It has therefore been classified as of uncertain significance.

Labcorp Genetics (formerly Invitae), Labcorp
Classification: Likely benign for Fanconi anemia. Last evaluated: 2025-12-02. Review status: criteria provided, single submitter. Criteria: Invitae Variant Classification Sherloc (09022015). Collection method: clinical testing. Allele origin: germline.

Quest Diagnostics Nichols Institute San Juan Capistrano
Classification: Uncertain significance. Last evaluated: 2025-03-25. Review status: criteria provided, single submitter. Criteria: Quest Diagnostics criteria. Collection method: clinical testing. Allele origin: unknown.
Comment: The FANCA c.1999C>G (p.Pro667Ala) variant has been reported in the published literature in an individual with pediatric myxopapillary ependymoma (MPE) (PMID: 34301788 (2021)). The frequency of this variant in the general population (Genome Aggregation Database) is uninformative in the assessment of its pathogenicity. Analysis of this variant using bioinformatics tools for the prediction of the effect of amino acid changes on protein structure and function yielded predictions that this variant is benign. Based on the available information, we are unable to determine the clinical significance of this variant.

Fulgent Genetics
Classification: Uncertain significance for Fanconi anemia complementation group A. Last evaluated: 2024-01-17. Review status: criteria provided, single submitter. Criteria: ACMG Guidelines, 2015. Collection method: clinical testing. Allele origin: germline.

Natera, Inc.
Classification: Uncertain significance for Fanconi anemia. Last evaluated: 2020-01-27. Review status: no assertion criteria provided. Collection method: clinical testing. Allele origin: germline. Not counted in ClinVar's aggregate classification.

Literature cited by the submitters: PubMed 34301788 (cited by Quest Diagnostics Nichols Institute San Juan Capistrano).

NM_000135.4(FANCA):c.1999C>G (p.Pro667Ala)

Gene: FANCA (FA complementation group A; minus strand). Cytogenetic location: 16q24.3.
Variant type: single nucleotide variant.
Coding change: c.1999C>G on transcript NM_000135.4 (MANE Select); coding-DNA position 1999, C replaced by G.
Protein change: p.Pro667Ala; replaces proline 667 with alanine.
Molecular consequence: missense variant.
Genome position (GRCh38, 1-based): chr16:89,773,286, G>C on the plus strand (C>G on the coding strand, the complement: FANCA is on the minus strand). VCF-style: chr16-89773286-G-C. GRCh37 (hg19) VCF-style: chr16-89839694-G-C.
Other names: c.1999C>G, p.Pro667Ala (NM_001286167.3); c.1999C>G (NM_000135.3); short protein forms P667A.
Identifiers: ClinVar variation 863909 (VCV000863909.13), dbSNP rs147300317, ClinGen allele CA397449566.